The following is an entry in ClinVar:

ClinVar aggregate classification (germline): Conflicting classifications of pathogenicity. Review status: criteria provided, conflicting classifications (1 of 4 stars). 3 submissions from 3 submitters: Uncertain significance (2); Likely benign (1). Last evaluated 2025-09-30.

Conditions:
Myopathy, proximal, and ophthalmoplegia (CMYO6). Also called: MYOPATHY WITH CONGENITAL JOINT CONTRACTURES, OPHTHALMOPLEGIA, AND RIMMED VACUOLES; CONGENITAL MYOPATHY 6 WITH OPHTHALMOPLEGIA; INCLUSION BODY MYOPATHY 3, AUTOSOMAL DOMINANT. Identifiers: Orphanet 363677, Orphanet 79091, MedGen C1854106, MONDO:0011577, OMIM 605637.

Allele frequency attached by ClinVar (database versions not stated): gnomAD 0.00006 and 0.00009; TOPMed 0.00008.
gnomAD v4.1: 230 of 1,614,036 alleles (0.014%); highest among the groups gnomAD compares: Middle Eastern, 0.099%; 4 homozygotes.

Submissions (3):

Labcorp Genetics (formerly Invitae), Labcorp
Classification: Likely benign for Myopathy, proximal, and ophthalmoplegia. Last evaluated: 2025-09-30. Review status: criteria provided, single submitter. Criteria: Invitae Variant Classification Sherloc (09022015). Collection method: clinical testing. Allele origin: germline.

Department of Pathology and Laboratory Medicine, Sinai Health System
Classification: Uncertain significance for Myopathy, proximal, and ophthalmoplegia. Last evaluated: 2023-01-22. Review status: criteria provided, single submitter. Criteria: ACMG Guidelines, 2015. Collection method: research. Allele origin: germline.

GeneDx
Classification: Uncertain significance. Last evaluated: 2016-09-06. Review status: criteria provided, single submitter. Criteria: GeneDx Variant Classification (06012015). Collection method: clinical testing. Allele origin: germline. Affected: yes.
Comment: The A14V variant in the MYH2 gene has not been reported previously as a pathogenic variant, nor as a benign variant, to our knowledge. The A14V variant was not observed in approximately 6500 individuals of European and African American ancestry in the NHLBI Exome Sequencing Project, indicating it is not a common benign variant in these populations. The A14V variant is a conservative amino acid substitution, which is not likely to impact secondary protein structure as these residues share similar properties. This substitution occurs at a position that is conserved across species. In silico analysis predicts this variant is probably damaging to the protein structure/function. We interpret A14V as a variant of uncertain significance.

NM_017534.6(MYH2):c.41C>T (p.Ala14Val)

Genes: MYHAS (myosin heavy chain gene cluster antisense RNA; plus strand), MYH2 (myosin heavy chain 2; minus strand). Cytogenetic location: 17p13.1.
Variant type: single nucleotide variant.
Coding change: c.41C>T on transcript NM_017534.6 (MANE Select); coding-DNA position 41, C replaced by T.
Protein change: p.Ala14Val; replaces alanine 14 with valine.
Molecular consequence: missense variant.
Genome position (GRCh38, 1-based): chr17:10,547,880, G>A on the plus strand (C>T on the coding strand, the complement: MYH2 is on the minus strand). VCF-style: chr17-10547880-G-A. GRCh37 (hg19) VCF-style: chr17-10451197-G-A.
Other names: c.41C>T, p.Ala14Val (NM_001100112.2); short protein forms A14V.
Identifiers: ClinVar variation 372424 (VCV000372424.12), dbSNP rs770499680, ClinGen allele CA8391747.
Genomic context (GRCh38, chr17:10,547,880, plus strand): 5'-GCATCAAAGGGCCTATTCTGGGCCTCAATGCGCTCCCTTTCAGACTTTCGGAGGAAAGGA[G>A]CAGCCTCCCCAAAAACAGCCAATTCTGAGTCTGAACTCATGGCTGCTGAACTCAGAGGTC-3'
Protein context (NP_060004.3, residues 4-24): DSELAVFGEA[Ala14Val]PFLRKSERER